The following is an entry in ClinVar:

ClinVar aggregate classification (germline): Uncertain significance (1 of 4 stars; one submission).

Conditions:
DICER1-related tumor predisposition. Also called: DICER1 syndrome; DICER1-related pleuropulmonary blastoma cancer predisposition syndrome. Identifiers: Orphanet 284343, MedGen C3839822, MONDO:0100216.

Allele frequency attached by ClinVar (database versions not stated): gnomAD exomes below 0.00001.
gnomAD v4.1: 1 of 1,613,596 alleles (0.000062%); highest among the groups gnomAD compares: Non-Finnish European, 0.000085%; no homozygotes.

Submission:

Labcorp Genetics (formerly Invitae), Labcorp
Classification: Uncertain significance for DICER1-related tumor predisposition. Last evaluated: 2021-08-11. Review status: criteria provided, single submitter. Criteria: Invitae Variant Classification Sherloc (09022015). Collection method: clinical testing. Allele origin: germline.
Comment: In summary, the available evidence is currently insufficient to determine the role of this variant in disease. Therefore, it has been classified as a Variant of Uncertain Significance. Algorithms developed to predict the effect of missense changes on protein structure and function are either unavailable or do not agree on the potential impact of this missense change (SIFT: "Deleterious"; PolyPhen-2: "Probably Damaging"; Align-GVGD: "Class C0"). This variant has not been reported in the literature in individuals affected with DICER1-related conditions. This variant is not present in population databases (ExAC no frequency). This sequence change replaces proline with serine at codon 529 of the DICER1 protein (p.Pro529Ser). The proline residue is highly conserved and there is a moderate physicochemical difference between proline and serine.

NM_177438.3(DICER1):c.1585C>T (p.Pro529Ser)

Gene: DICER1 (dicer 1, ribonuclease III; minus strand). Cytogenetic location: 14q32.13.
Variant type: single nucleotide variant.
Coding change: c.1585C>T on transcript NM_177438.3 (MANE Select); coding-DNA position 1585, C replaced by T.
Protein change: p.Pro529Ser; replaces proline 529 with serine.
Molecular consequence: missense variant.
Genome position (GRCh38, 1-based): chr14:95,116,620, G>A on the plus strand (C>T on the coding strand, the complement: DICER1 is on the minus strand). VCF-style: chr14-95116620-G-A. GRCh37 (hg19) VCF-style: chr14-95582957-G-A.
Other names: c.1585C>T, p.Pro529Ser (NM_001195573.1, NM_001271282.3, NM_001291628.2 and 1 more transcripts); short protein forms P529S.
Identifiers: ClinVar variation 1387342 (VCV001387342.7), dbSNP rs2140125325, ClinGen allele CA390885020.
Genomic context (GRCh38, chr14:95,116,620, plus strand): 5'-ATTGAACATAGGATCGATATTCTGTGGGCAAATCAAAACGAACCACCAAGTTGCATTTTG[G>A]TATATCAACACCCTCTTCTACAATACTTGTTGCAATAAGCAGGTTGGTCTCATGTGCTCG-3'
Protein context (NP_803187.1, residues 519-539): TSIVEEGVDI[Pro529Ser]KCNLVVRFDL